The following is an entry in ClinVar:

ClinVar aggregate classification (germline): Likely benign (0 of 4 stars; one submission).

Conditions:
PRIMPOL-related disorder. Also called: PRIMPOL-related condition.

Allele frequency attached by ClinVar (database versions not stated): gnomAD 0.00006; ExAC 0.00007; TOPMed 0.00008.

Submission:

PreventionGenetics, part of Exact Sciences
Classification: Likely benign for PRIMPOL-related condition. Last evaluated: 2019-09-05. Review status: no assertion criteria provided. Collection method: clinical testing. Allele origin: germline.
Comment: This variant is classified as likely benign based on ACMG/AMP sequence variant interpretation guidelines (Richards et al. 2015 PMID: 25741868, with internal and published modifications).

NM_152683.4(PRIMPOL):c.1251G>A (p.Arg417=)

Gene: PRIMPOL (primase and DNA directed polymerase; plus strand). Cytogenetic location: 4q35.1.
Variant type: single nucleotide variant.
Coding change: c.1251G>A on transcript NM_152683.4 (MANE Select); coding-DNA position 1251, G replaced by A.
Protein change: p.Arg417=; no amino-acid change (arginine 417 retained).
Molecular consequence: synonymous variant. On other transcripts: non-coding transcript variant (3).
Genome position (GRCh38, 1-based): chr4:184,685,640, G>A. VCF-style: chr4-184685640-G-A. GRCh37 (hg19) VCF-style: chr4-185606794-G-A.
Other names: c.864G>A, p.Arg288= (NM_001300767.2); c.1248G>A, p.Arg416= (NM_001300768.2, NM_001345892.2, NM_001345893.2 and 1 more transcripts); c.1251G>A, p.Arg417= (NM_001345891.2, NM_001345895.2); c.555G>A, p.Arg185= (NM_001345894.2, NM_001345897.2, NM_001345901.2); c.552G>A, p.Arg184= (NM_001345898.2); c.999G>A, p.Arg333= (NM_001345899.2); c.726G>A, p.Arg242= (NM_001345900.2).
Identifiers: ClinVar variation 3052358 (VCV003052358.2), dbSNP rs745549724, ClinGen allele CA3154532.